The following is an entry in ClinVar:

NM_005902.4(SMAD3):c.428A>G (p.His143Arg)

Gene: SMAD3 (SMAD family member 3; plus strand). Cytogenetic location: 15q22.33.
Variant type: single nucleotide variant.
Coding change: c.428A>G on transcript NM_005902.4 (MANE Select); coding-DNA position 428, A replaced by G.
Protein change: p.His143Arg; replaces histidine 143 with arginine.
Molecular consequence: missense variant. On other transcripts: intron variant (2).
Genome position (GRCh38, 1-based): chr15:67,165,280, A>G. VCF-style: chr15-67165280-A-G. GRCh37 (hg19) VCF-style: chr15-67457618-A-G.
Other names: c.113A>G, p.His38Arg (NM_001145102.2, NM_001407016.1); c.296A>G, p.His99Arg (NM_001145103.2); c.428A>G, p.His143Arg (NM_001407011.1, NM_001407013.1); c.281A>G, p.His94Arg (NM_001407014.1); c.400+192A>G (NM_001407012.1); c.85+192A>G (NM_001407015.1); short protein forms H38R, H94R, H99R, H143R.
Identifiers: ClinVar variation 4745311 (VCV004745311.1).
Genomic context (GRCh38, chr15:67,165,280, plus strand): 5'-CTGAGCCACCTCTGCTCTGTCTCCCCCGGACAGTTCTACCTCCTGTGTTGGTGCCACGCC[A>G]CACAGAGATCCCGGCCGAGTTCCCCCCACTGGACGACTACAGCCATTCCATCCCCGAAAA-3'
Protein context (NP_005893.1, residues 133-153): PVLPPVLVPR[His143Arg]TEIPAEFPPL

ClinVar aggregate classification (germline): Uncertain significance (1 of 4 stars; one submission).

Conditions:
Familial thoracic aortic aneurysm and aortic dissection (TAAD). Also called: Thoracic aortic aneurysms and dissections. Identifiers: Orphanet 91387, MedGen C4707243, MONDO:0019625.

Submission:

Labcorp Genetics (formerly Invitae), Labcorp
Classification: Uncertain significance for Familial thoracic aortic aneurysm and aortic dissection. Last evaluated: 2026-01-14. Review status: criteria provided, single submitter. Criteria: Invitae Variant Classification Sherloc (09022015). Collection method: clinical testing. Allele origin: germline.
Comment: This sequence change replaces histidine, which is basic and polar, with arginine, which is basic and polar, at codon 143 of the SMAD3 protein (p.His143Arg). This variant is not present in population databases (gnomAD no frequency). This variant has not been reported in the literature in individuals affected with SMAD3-related conditions. Invitae Evidence Modeling of protein sequence and biophysical properties (such as structural, functional, and spatial information, amino acid conservation, physicochemical variation, residue mobility, and thermodynamic stability) indicates that this missense variant is not expected to disrupt SMAD3 protein function with a negative predictive value of 80%. In summary, the available evidence is currently insufficient to determine the role of this variant in disease. Therefore, it has been classified as a Variant of Uncertain Significance.